The following is an entry in ClinVar:

NM_018063.5(HELLS):c.1473G>A (p.Met491Ile)

Gene: HELLS (helicase, lymphoid specific; plus strand). Cytogenetic location: 10q23.33.
Variant type: single nucleotide variant.
Coding change: c.1473G>A on transcript NM_018063.5 (MANE Select); coding-DNA position 1473, G replaced by A.
Protein change: p.Met491Ile; replaces methionine 491 with isoleucine.
Molecular consequence: missense variant.
Genome position (GRCh38, 1-based): chr10:94,588,375, G>A. VCF-style: chr10-94588375-G-A. GRCh37 (hg19) VCF-style: chr10-96348132-G-A.
Other names: c.1611G>A, p.Met537Ile (NM_001289067.2); c.1425G>A, p.Met475Ile (NM_001289068.2); c.1377G>A, p.Met459Ile (NM_001289069.2); c.1179G>A, p.Met393Ile (NM_001289070.2); c.1101G>A, p.Met367Ile (NM_001289071.2); c.1083G>A, p.Met361Ile (NM_001289072.2); c.1059G>A, p.Met353Ile (NM_001289073.2); c.390G>A, p.Met130Ile (NM_001289074.2); and 1 more; short protein forms M367I, M393I, M475I, M353I, M491I, M85I, M130I, M361I.
Identifiers: ClinVar variation 2162360 (VCV002162360.3), dbSNP rs758948723, ClinGen allele CA5615498.

ClinVar aggregate classification (germline): Uncertain significance (1 of 4 stars; one submission).

Allele frequency attached by ClinVar (database versions not stated): gnomAD exomes below 0.00001; gnomAD 0.00001; TOPMed 0.00001; ExAC 0.00002.
gnomAD v4.1: 4 of 1,603,166 alleles (0.00025%); highest among the groups gnomAD compares: Admixed American, 0.0017%; no homozygotes.

Submission:

Labcorp Genetics (formerly Invitae), Labcorp
Classification: Uncertain significance. Last evaluated: 2023-10-13. Review status: criteria provided, single submitter. Criteria: Invitae Variant Classification Sherloc (09022015). Collection method: clinical testing. Allele origin: germline.
Comment: This sequence change replaces methionine, which is neutral and non-polar, with isoleucine, which is neutral and non-polar, at codon 491 of the HELLS protein (p.Met491Ile). This variant is present in population databases (rs758948723, gnomAD 0.002%). This variant has not been reported in the literature in individuals affected with HELLS-related conditions. ClinVar contains an entry for this variant (Variation ID: 2162360). An algorithm developed to predict the effect of missense changes on protein structure and function (PolyPhen-2) suggests that this variant¬†is likely to be tolerated. In summary, the available evidence is currently insufficient to determine the role of this variant in disease. Therefore, it has been classified as a Variant of Uncertain Significance.